The following is an entry in ClinVar:

ClinVar aggregate classification (germline): Likely benign. Review status: criteria provided, multiple submitters, no conflicts (2 of 4 stars). 3 submissions from 3 submitters: Likely benign (2). 1 of the submissions does not count toward it. Last evaluated 2026-01-25.

Conditions:
MTR-related disorder. Also called: MTR-related condition.
Disorders of Intracellular Cobalamin Metabolism. Identifiers: MedGen CN043592.
Methylcobalamin deficiency type cblG (HMAG). Also called: HOMOCYSTINURIA-MEGALOBLASTIC ANEMIA, cblG TYPE; HOMOCYSTINURIA-MEGALOBLASTIC ANEMIA DUE TO DEFECT IN COBALAMIN METABOLISM, cblG COMPLEMENTATION TYPE; HOMOCYSTINURIA-MEGALOBLASTIC ANEMIA, cblG COMPLEMENTATION TYPE; Functional methionine synthase deficiency type cblG. Identifiers: Orphanet 2170, Orphanet 622, MedGen C1855128, MONDO:0009609, OMIM 250940.

Allele frequency attached by ClinVar (database versions not stated): gnomAD 0.00203 and 0.00193; TOPMed 0.00216; ESP Exome Variant Server 0.00238; ExAC 0.00060; 1000 Genomes Project 30x 0.00156; gnomAD exomes 0.00018 and 0.00045; 1000 Genomes Project 0.00160.
gnomAD v4.1: 573 of 1,614,148 alleles (0.035%); highest among the groups gnomAD compares: African/African-American, 0.68%; 4 homozygotes.

Submissions (3):

Labcorp Genetics (formerly Invitae), Labcorp
Classification: Likely benign for Methylcobalamin deficiency type cblG. Last evaluated: 2026-01-25. Review status: criteria provided, single submitter. Criteria: Invitae Variant Classification Sherloc (09022015). Collection method: clinical testing. Allele origin: germline.

Illumina Laboratory Services, Illumina
Classification: Likely benign for Disorders of Intracellular Cobalamin Metabolism. Last evaluated: 2018-01-13. Review status: criteria provided, single submitter. Criteria: ICSL Variant Classification Criteria 13 December 2019. Collection method: clinical testing. Allele origin: germline.
Comment: This variant was observed in the ICSL laboratory as part of a predisposition screen in an ostensibly healthy population. It had not been previously curated by ICSL or reported in the Human Gene Mutation Database (HGMD: prior to June 1st, 2018), and was therefore a candidate for classification through an automated scoring system. Utilizing variant allele frequency, disease prevalence and penetrance estimates, and inheritance mode, an automated score was calculated to assess if this variant is too frequent to cause the disease. Based on the score and internal cut-off values, a variant classified as likely benign is not then subjected to further curation. The score for this variant resulted in a classification of likely benign for this disease.

PreventionGenetics, part of Exact Sciences
Classification: Likely benign for MTR-related condition. Last evaluated: 2020-01-13. Review status: no assertion criteria provided. Collection method: clinical testing. Allele origin: germline. Not counted in ClinVar's aggregate classification.
Comment: This variant is classified as likely benign based on ACMG/AMP sequence variant interpretation guidelines (Richards et al. 2015 PMID: 25741868, with internal and published modifications).

NM_000254.3(MTR):c.3337G>A (p.Ala1113Thr)

Gene: MTR (5-methyltetrahydrofolate-homocysteine methyltransferase; plus strand). Cytogenetic location: 1q43.
Variant type: single nucleotide variant.
Coding change: c.3337G>A on transcript NM_000254.3 (MANE Select); coding-DNA position 3337, G replaced by A.
Protein change: p.Ala1113Thr; replaces alanine 1113 with threonine.
Molecular consequence: missense variant.
Genome position (GRCh38, 1-based): chr1:236,894,489, G>A. VCF-style: chr1-236894489-G-A. GRCh37 (hg19) VCF-style: chr1-237057789-G-A.
Other names: c.3184G>A, p.Ala1062Thr (NM_001291939.1); c.2116G>A, p.Ala706Thr (NM_001291940.2); short protein forms A1113T, A706T, A1062T.
Identifiers: ClinVar variation 296576 (VCV000296576.17), dbSNP rs146071220, ClinGen allele CA1474667.